The following is an entry in ClinVar:

NM_000451.4(SHOX):c.683_688dup (p.His229_Pro230insLeuHis)

Gene: SHOX (SHOX homeobox; plus strand). Cytogenetic location: Xp22.33.
Variant type: Duplication.
Coding change: c.683_688dup on transcript NM_000451.4 (MANE Select); coding-DNA positions 683 to 688, 6 bases duplicated (TGCACC; older notation c.683_688dupTGCACC).
Protein change: p.His229_Pro230insLeuHis.
Molecular consequence: inframe insertion. On other transcripts: intron variant (1).
Genome position (GRCh38, 1-based): chrX:644,440-644,445, TGCACC duplicated; duplicating any 6 consecutive bases within chrX:644,435-644,445 gives the same sequence; the c. name uses the placement nearest the transcript's 3' end. VCF-style (leftmost placement, unchanged base first): chrX-644434-C-CGCACCT. GRCh37 (hg19) VCF-style: chrX-605169-C-CGCACCT.
Other names: c.633+3353_633+3358dup (NM_006883.2); c.683_688dupTGCACC (NM_000451.4).
Identifiers: ClinVar variation 4689261 (VCV004689261.1).

ClinVar aggregate classification (germline): Uncertain significance (1 of 4 stars; one submission).

Submission:

Women's Health and Genetics/Laboratory Corporation of America, LabCorp
Classification: Uncertain significance. Last evaluated: 2026-01-19. Review status: criteria provided, single submitter. Criteria: LabCorp Variant Classification Summary - May 2015. Collection method: clinical testing. Allele origin: germline.
Comment: Variant summary: SHOX c.683_688dupTGCACC (p.Leu228_His229dup) results in an in-frame duplication that is predicted to duplicate two amino acids into the encoded protein. The frequency data for this variant in gnomAD is considered unreliable, as metrics indicate poor data quality at this position. To our knowledge, no occurrence of c.683_688dupTGCACC in individuals affected with SHOX-related conditions and no experimental evidence demonstrating its impact on protein function have been reported. No submitters have cited clinical-significance assessments for this variant to ClinVar. Based on the evidence outlined above, the variant was classified as uncertain significance.